The following is an entry in ClinVar:

ClinVar aggregate classification (germline): Conflicting classifications of pathogenicity. Review status: criteria provided, conflicting classifications (1 of 4 stars). 2 submissions from 2 submitters: Uncertain significance (1); Likely benign (1). Last evaluated 2025-08-05.

Allele frequency attached by ClinVar (database versions not stated): gnomAD exomes 0.00003; ExAC 0.00004; TOPMed 0.00004; gnomAD 0.00006; ESP Exome Variant Server 0.00008.
gnomAD v4.1: 54 of 1,613,774 alleles (0.0033%); highest among the groups gnomAD compares: Middle Eastern, 0.016%; no homozygotes.

Submissions (2):

Labcorp Genetics (formerly Invitae), Labcorp
Classification: Likely benign. Last evaluated: 2025-08-05. Review status: criteria provided, single submitter. Criteria: Invitae Variant Classification Sherloc (09022015). Collection method: clinical testing. Allele origin: germline.

GeneDx
Classification: Uncertain significance. Last evaluated: 2024-10-23. Review status: criteria provided, single submitter. Criteria: GeneDx Variant Classification Process June 2021. Collection method: clinical testing. Allele origin: germline. Affected: yes.
Comment: In silico analysis supports that this missense variant has a deleterious effect on protein structure/function; This variant is associated with the following publications: (PMID: Jiang2022[article])

NM_001457.4(FLNB):c.2183C>T (p.Pro728Leu)

Gene: FLNB (filamin B; plus strand). Cytogenetic location: 3p14.3.
Variant type: single nucleotide variant.
Coding change: c.2183C>T on transcript NM_001457.4 (MANE Select); coding-DNA position 2183, C replaced by T.
Protein change: p.Pro728Leu; replaces proline 728 with leucine.
Molecular consequence: missense variant.
Genome position (GRCh38, 1-based): chr3:58,109,306, C>T. VCF-style: chr3-58109306-C-T. GRCh37 (hg19) VCF-style: chr3-58095033-C-T.
Other names: c.2183C>T, p.Pro728Leu (NM_001164317.2, NM_001164318.2, NM_001164319.2); c.2183C>T (NM_001457.3); short protein forms P728L.
Identifiers: ClinVar variation 1393261 (VCV001393261.8), dbSNP rs374007383, ClinGen allele CA2468041.